The following is an entry in ClinVar:

NM_001042492.3(NF1):c.5687del (p.Thr1895_Ser1896insTer)

Gene: NF1 (neurofibromin 1; plus strand). Cytogenetic location: 17q11.2.
Variant type: Deletion.
Coding change: c.5687del on transcript NM_001042492.3 (MANE Select); coding-DNA position 5687, one base deleted (C; older notation c.5687delC).
Protein change: p.Thr1895_Ser1896insTer.
Molecular consequence: nonsense. On other transcripts: frameshift variant (1).
Genome position (GRCh38, 1-based): chr17:31,330,373, C deleted. VCF-style (leftmost placement, unchanged base first): chr17-31330372-TC-T. GRCh37 (hg19) VCF-style: chr17-29657390-TC-T.
Other names: c.5624delC, p.Ser1875Terfs (NM_000267.4).
Identifiers: ClinVar variation 2137993 (VCV002137993.4), dbSNP rs2508718412, ClinGen allele CA2580093374.
Genomic context (GRCh38, chr17:31,330,372, plus strand): 5'-CTTCTGTGTGCCTTAACTTGTACCTTTAATTTAAAAATCGAGGGCCAGTTACTAGAGACA[TC>T]AGGTTTATGTATCCCTGCCAACAACACCCTCTTTATTGTCTCTATTAGTAAGACACTGGC-3'

ClinVar aggregate classification (germline): Pathogenic (1 of 4 stars; one submission).

Conditions:
Neurofibromatosis, type 1 (NF1). Also called: Peripheral type neurofibromatosis; VON RECKLINGHAUSEN DISEASE; NEUROFIBROMATOSIS, TYPE I, SOMATIC; Neurofibromatosis, type I. Identifiers: Orphanet 636, MedGen C0027831, MONDO:0018975, OMIM 162200. Disease mechanism: loss of function.

Submission:

Labcorp Genetics (formerly Invitae), Labcorp
Classification: Pathogenic for Neurofibromatosis, type 1. Last evaluated: 2022-04-08. Review status: criteria provided, single submitter. Criteria: Invitae Variant Classification Sherloc (09022015). Collection method: clinical testing. Allele origin: germline.
Comment: For these reasons, this variant has been classified as Pathogenic. Algorithms developed to predict the effect of sequence changes on RNA splicing suggest that this variant may disrupt the consensus splice site. This premature translational stop signal has been observed in individual(s) with clinical features of neurofibromatosis type 1 (PMID: 18546366). This variant is not present in population databases (gnomAD no frequency). This sequence change creates a premature translational stop signal (p.Ser1875*) in the NF1 gene. It is expected to result in an absent or disrupted protein product. Loss-of-function variants in NF1 are known to be pathogenic (PMID: 10712197, 23913538).

Literature cited by the submitters: PubMed 18546366; PubMed 10712197; PubMed 23913538.